The following is an entry in ClinVar:

ClinVar aggregate classification (germline): Benign. Review status: criteria provided, single submitter (1 of 4 stars). 2 submissions from 2 submitters: Benign (1). 1 of the submissions does not count toward it. Last evaluated 2025-12-28.

Conditions:
FOCAD-related disorder. Also called: FOCAD-related condition.

Allele frequency attached by ClinVar (database versions not stated): 1000 Genomes Project 0.00160; gnomAD 0.00301 and 0.00324; gnomAD exomes 0.00321; ExAC 0.00361.
gnomAD v4.1: 472 of 163,560 alleles (0.29%); highest among the groups gnomAD compares: Admixed American, 3.6%; 13 homozygotes.

Submissions (2):

Labcorp Genetics (formerly Invitae), Labcorp
Classification: Benign. Last evaluated: 2025-12-28. Review status: criteria provided, single submitter. Criteria: Invitae Variant Classification Sherloc (09022015). Collection method: clinical testing. Allele origin: germline.

PreventionGenetics, part of Exact Sciences
Classification: Benign for FOCAD-related condition. Last evaluated: 2019-05-03. Review status: no assertion criteria provided. Collection method: clinical testing. Allele origin: germline. Not counted in ClinVar's aggregate classification.
Comment: This variant is classified as benign based on ACMG/AMP sequence variant interpretation guidelines (Richards et al. 2015 PMID: 25741868, with internal and published modifications).

NM_001375567.1(FOCAD):c.2107-9C>T

Gene: FOCAD (focadhesin; plus strand). Cytogenetic location: 9p21.3.
Variant type: single nucleotide variant.
Coding change: c.2107-9C>T on transcript NM_001375567.1 (MANE Select); 9 bases into the intron before coding-DNA position 2107, C replaced by T.
Molecular consequence: intron variant.
Genome position (GRCh38, 1-based): chr9:20,866,920, C>T. VCF-style: chr9-20866920-C-T. GRCh37 (hg19) VCF-style: chr9-20866919-C-T.
Other names: c.2107-9C>T (NM_017794.5); c.2002-9C>T (NM_001375568.1, NM_001375570.1).
Identifiers: ClinVar variation 782709 (VCV000782709.9), dbSNP rs182399449, ClinGen allele CA5006993.